The following is an entry in ClinVar:

NM_018896.5(CACNA1G):c.790G>A (p.Glu264Lys)

Gene: CACNA1G (calcium voltage-gated channel subunit alpha1 G; plus strand). Cytogenetic location: 17q21.33.
Variant type: single nucleotide variant.
Coding change: c.790G>A on transcript NM_018896.5 (MANE Select); coding-DNA position 790, G replaced by A.
Protein change: p.Glu264Lys; replaces glutamic acid 264 with lysine.
Molecular consequence: missense variant. On other transcripts: non-coding transcript variant (5).
Genome position (GRCh38, 1-based): chr17:50,572,597, G>A. VCF-style: chr17-50572597-G-A. GRCh37 (hg19) VCF-style: chr17-48649958-G-A.
Other names: c.790G>A, p.Glu264Lys (NM_001256324.2, NM_001256325.2, NM_001256326.2 and 24 more transcripts); short protein forms E264K.
Identifiers: ClinVar variation 2125490 (VCV002125490.4), dbSNP rs1468956826, ClinGen allele CA400231355.

ClinVar aggregate classification (germline): Uncertain significance (1 of 4 stars; one submission).

Allele frequency attached by ClinVar (database versions not stated): gnomAD exomes below 0.00001.
gnomAD v4.1: 2 of 1,586,020 alleles (0.00013%); highest among the groups gnomAD compares: Non-Finnish European, 0.00017%; no homozygotes.

Submission:

Labcorp Genetics (formerly Invitae), Labcorp
Classification: Uncertain significance. Last evaluated: 2024-02-24. Review status: criteria provided, single submitter. Criteria: Invitae Variant Classification Sherloc (09022015). Collection method: clinical testing. Allele origin: germline.
Comment: This sequence change replaces glutamic acid, which is acidic and polar, with lysine, which is basic and polar, at codon 264 of the CACNA1G protein (p.Glu264Lys). This variant is not present in population databases (gnomAD no frequency). This variant has not been reported in the literature in individuals affected with CACNA1G-related conditions. ClinVar contains an entry for this variant (Variation ID: 2125490). Advanced modeling of protein sequence and biophysical properties (such as structural, functional, and spatial information, amino acid conservation, physicochemical variation, residue mobility, and thermodynamic stability) performed at Invitae indicates that this missense variant is not expected to disrupt CACNA1G protein function with a negative predictive value of 95%. In summary, the available evidence is currently insufficient to determine the role of this variant in disease. Therefore, it has been classified as a Variant of Uncertain Significance.